The following is an entry in ClinVar:

NM_002473.6(MYH9):c.675G>A (p.Lys225=)

Gene: MYH9 (myosin heavy chain 9; minus strand). Cytogenetic location: 22q12.3.
Variant type: single nucleotide variant.
Coding change: c.675G>A on transcript NM_002473.6 (MANE Select); coding-DNA position 675, G replaced by A.
Protein change: p.Lys225=; no amino-acid change (lysine 225 retained).
Molecular consequence: synonymous variant.
Genome position (GRCh38, 1-based): chr22:36,322,459, C>T on the plus strand (G>A on the coding strand, the complement: MYH9 is on the minus strand). VCF-style: chr22-36322459-C-T. GRCh37 (hg19) VCF-style: chr22-36718504-C-T.
Identifiers: ClinVar variation 3384437 (VCV003384437.2).

ClinVar aggregate classification (germline): Conflicting classifications of pathogenicity. Review status: criteria provided, conflicting classifications (1 of 4 stars). 2 submissions from 2 submitters: Uncertain significance (1); Benign (1). Last evaluated 2025-10-27.

gnomAD v4.1: 84 of 1,613,834 alleles (0.0052%); highest among the groups gnomAD compares: South Asian, 0.09%; 4 homozygotes.

Submissions (2):

Labcorp Genetics (formerly Invitae), Labcorp
Classification: Benign. Last evaluated: 2025-10-27. Review status: criteria provided, single submitter. Criteria: Invitae Variant Classification Sherloc (09022015). Collection method: clinical testing. Allele origin: germline.

GeneDx
Classification: Uncertain significance. Last evaluated: 2024-06-05. Review status: criteria provided, single submitter. Criteria: GeneDx Variant Classification Process June 2021. Collection method: clinical testing. Allele origin: germline. Affected: yes.
Comment: In silico analysis indicates that this variant does not alter splicing; Has not been previously published as pathogenic or benign to our knowledge